The following is an entry in ClinVar:

NM_001040108.2(MLH3):c.423C>T (p.Ser141=)

Gene: MLH3 (mutL homolog 3; minus strand). Cytogenetic location: 14q24.3.
Variant type: single nucleotide variant.
Coding change: c.423C>T on transcript NM_001040108.2 (MANE Select); coding-DNA position 423, C replaced by T.
Protein change: p.Ser141=; no amino-acid change (serine 141 retained).
Molecular consequence: synonymous variant.
Genome position (GRCh38, 1-based): chr14:75,049,233, G>A on the plus strand (C>T on the coding strand, the complement: MLH3 is on the minus strand). VCF-style: chr14-75049233-G-A. GRCh37 (hg19) VCF-style: chr14-75515936-G-A.
Other names: c.423C>T, p.Ser141= (NM_014381.3).
Identifiers: ClinVar variation 416455 (VCV000416455.33), dbSNP rs142179277, ClinGen allele CA7276035.

ClinVar aggregate classification (germline): Conflicting classifications of pathogenicity. Review status: criteria provided, conflicting classifications (1 of 4 stars). 8 submissions from 8 submitters: Uncertain significance (2); Benign (2); Likely benign (4). Last evaluated 2026-04-28.

Conditions:
Colorectal cancer. Also called: Colorectal cancer, somatic; Malignant Colorectal Neoplasm. Identifiers: MedGen C0346629, MONDO:0005575, OMIM 114500.
Colorectal cancer, hereditary nonpolyposis, type 7. Identifiers: Orphanet 144, MedGen C1858380, MONDO:0013725, OMIM 614385.
Endometrial carcinoma. Also called: Endometrial carcinoma, somatic. Identifiers: MedGen C0476089, MONDO:0002447, OMIM 608089, HP:0012114.
MLH3-related disorder. Also called: MLH3-related condition.

Allele frequency attached by ClinVar (database versions not stated): gnomAD exomes 0.00021; ExAC 0.00023; 1000 Genomes Project 30x 0.00031; 1000 Genomes Project 0.00040; ESP Exome Variant Server 0.00077; gnomAD 0.00092 and 0.00100; TOPMed 0.00103.

Submissions (8):

Myriad Genetics, Inc.
Classification: Benign for Colorectal cancer, hereditary nonpolyposis, type 7. Last evaluated: 2026-04-28. Review status: criteria provided, single submitter. Criteria: Myriad Autosomal Dominant, Autosomal Recessive and X-Linked Classification Criteria (2023). Collection method: clinical testing. Allele origin: unknown.
Comment: This variant is considered benign. This variant is a silent/synonymous amino acid change and it is not expected to impact splicing.

Labcorp Genetics (formerly Invitae), Labcorp
Classification: Benign for Colorectal cancer, hereditary nonpolyposis, type 7. Last evaluated: 2026-01-19. Review status: criteria provided, single submitter. Criteria: Invitae Variant Classification Sherloc (09022015). Collection method: clinical testing. Allele origin: germline.

PreventionGenetics, part of Exact Sciences
Classification: Likely benign for MLH3-related condition. Last evaluated: 2025-04-07. Review status: criteria provided, single submitter. Criteria: ACMG Guidelines, 2015. Collection method: clinical testing. Allele origin: germline.
Comment: This variant is classified as likely benign based on ACMG/AMP sequence variant interpretation guidelines (Richards et al. 2015 PMID: 25741868, with internal and published modifications).

Center for Genomic Medicine, Rigshospitalet, Copenhagen University Hospital
Classification: Likely benign. Last evaluated: 2025-03-04. Review status: criteria provided, single submitter. Criteria: ACMG Guidelines, 2015. Collection method: clinical testing. Allele origin: germline.

Department of Pathology and Laboratory Medicine, Sinai Health System
Classification: Uncertain significance for Colorectal cancer; Endometrial carcinoma; Colorectal cancer, hereditary nonpolyposis, type 7. Last evaluated: 2024-08-14. Review status: criteria provided, single submitter. Criteria: ACMG Guidelines, 2015. Collection method: clinical testing. Allele origin: germline.

Blueprint Genetics
Classification: Likely benign. Last evaluated: 2024-07-31. Review status: criteria provided, single submitter. Criteria: ACMG Guidelines, 2015. Collection method: clinical testing. Allele origin: germline.

Ambry Genetics
Classification: Likely benign. Last evaluated: 2020-09-28. Review status: criteria provided, single submitter. Criteria: Ambry Variant Classification Scheme 2023. Collection method: clinical testing. Allele origin: germline.

Illumina Laboratory Services, Illumina
Classification: Uncertain significance for Colorectal cancer, hereditary nonpolyposis, type 7. Last evaluated: 2018-01-12. Review status: criteria provided, single submitter. Criteria: ICSL Variant Classification Criteria 13 December 2019. Collection method: clinical testing. Allele origin: germline.